The following is an entry in ClinVar:

NM_000260.4(MYO7A):c.4432A>T (p.Lys1478Ter)

Gene: MYO7A (myosin VIIA; plus strand). Cytogenetic location: 11q13.5.
Variant type: single nucleotide variant.
Coding change: c.4432A>T on transcript NM_000260.4 (MANE Select); coding-DNA position 4432, A replaced by T.
Protein change: p.Lys1478Ter; replaces lysine 1478 with a stop codon.
Molecular consequence: nonsense.
Genome position (GRCh38, 1-based): chr11:77,197,589, A>T. VCF-style: chr11-77197589-A-T. GRCh37 (hg19) VCF-style: chr11-76908634-A-T.
Other names: c.4432A>T, p.Lys1478Ter (NM_001127180.2); c.4399A>T, p.Lys1467Ter (NM_001369365.1); short protein forms K1467*, K1478*.
Identifiers: ClinVar variation 983736 (VCV000983736.3), dbSNP rs1956761416, ClinGen allele CA381950168.

ClinVar aggregate classification (germline): Likely pathogenic (1 of 4 stars; one submission).

Conditions:
Usher syndrome type 1 (USH1). Also called: RETINITIS PIGMENTOSA AND CONGENITAL DEAFNESS. Identifiers: Orphanet 231169, Orphanet 886, MedGen C1568247, MONDO:0010168, OMIM 276900.

Submission:

Myriad Genetics, Inc.
Classification: Likely pathogenic for Usher syndrome type 1. Last evaluated: 2019-12-28. Review status: criteria provided, single submitter. Criteria: Myriad Women's Health Autosomal Recessive and X-Linked Classification Criteria (2019). Collection method: clinical testing. Allele origin: unknown.
Comment: NM_000260.3(MYO7A):c.4432A>T(K1478*) is expected to be pathogenic in the context of MYO7A-related disorders. This variant is predicted to lead to an abnormal or absent protein product due to the creation of a premature termination codon in MYO7A, a gene where loss-of-function variants are known to be pathogenic. Please note: this variant was assessed in the context of healthy population screening.